The following is an entry in ClinVar:

NM_025114.4(CEP290):c.6358-1G>A

Gene: CEP290 (centrosomal protein 290; minus strand). Cytogenetic location: 12q21.32.
Variant type: single nucleotide variant.
Coding change: c.6358-1G>A on transcript NM_025114.4 (MANE Select); the canonical splice acceptor site of the intron before coding-DNA position 6358, G replaced by A.
Molecular consequence: splice acceptor variant.
Genome position (GRCh38, 1-based): chr12:88,060,995, C>T on the plus strand (G>A on the coding strand, the complement: CEP290 is on the minus strand). VCF-style: chr12-88060995-C-T. GRCh37 (hg19) VCF-style: chr12-88454772-C-T.
Identifiers: ClinVar variation 461787 (VCV000461787.16), dbSNP rs766670248, ClinGen allele CA6711506.

ClinVar aggregate classification (germline): Likely pathogenic. Review status: criteria provided, multiple submitters, no conflicts (2 of 4 stars). 5 submissions from 5 submitters: Likely pathogenic (4). 1 of the submissions does not count toward it. Last evaluated 2024-03-04.

Conditions:
CEP290-related disorder. Also called: CEP290-related condition; CEP290-related disorders. Identifiers: MedGen CN239314.
Nephronophthisis. Also called: Juvenile Nephronophthisis. Identifiers: Orphanet 655, MedGen C0687120, MONDO:0019005, HP:0000090.
Meckel-Gruber syndrome. Also called: GRUBER SYNDROME; DYSENCEPHALIA SPLANCHNOCYSTICA; Dysencephalia splachnocystica. Identifiers: Orphanet 564, MedGen C0265215, MONDO:0018921.
Joubert syndrome. Also called: JOUBERT-BOLTSHAUSER SYNDROME; Familial aplasia of the vermis. Identifiers: Orphanet 475, MedGen C5979921, MONDO:0018772.
Leber congenital amaurosis (LCA). Also called: Leber's amaurosis. Identifiers: Orphanet 65, MedGen C0339527, MeSH D057130, MONDO:0018998.
Senior-Loken syndrome 6 (SLSN6). Identifiers: Orphanet 3156, MedGen C1857779, MONDO:0012433, OMIM 610189.
Leber congenital amaurosis 10 (LCA10). Identifiers: Orphanet 65, MedGen C1857821, MONDO:0012723, OMIM 611755.
Bardet-Biedl syndrome 14 (BBS14). Identifiers: Orphanet 110, MedGen C2673874, MONDO:0014442, OMIM 615991.
Joubert syndrome 5 (JBTS5). Identifiers: Orphanet 2318, MedGen C1857780, MONDO:0012432, OMIM 610188.
Meckel syndrome, type 4 (MKS4). Also called: MECKEL-GRUBER SYNDROME, TYPE 4. Identifiers: Orphanet 564, MedGen C1970161, MONDO:0012626, OMIM 611134.

Allele frequency attached by ClinVar (database versions not stated): ExAC below 0.00001; gnomAD 0.00001; TOPMed 0.00001; gnomAD exomes 0.00005.
gnomAD v4.1: 9 of 1,539,156 alleles (0.00058%); highest among the groups gnomAD compares: East Asian, 0.021%; no homozygotes.

Submissions (5):

Baylor Genetics
Classification: Likely pathogenic for Bardet-Biedl syndrome 14. Last evaluated: 2024-03-04. Review status: criteria provided, single submitter. Criteria: ACMG Guidelines, 2015. Collection method: clinical testing. Allele origin: unknown.

Fulgent Genetics
Classification: Likely pathogenic for Joubert syndrome 5; Senior-Loken syndrome 6; Meckel syndrome, type 4; Leber congenital amaurosis 10; Bardet-Biedl syndrome 14. Last evaluated: 2024-03-01. Review status: criteria provided, single submitter. Criteria: ACMG Guidelines, 2015. Collection method: clinical testing. Allele origin: germline.

Labcorp Genetics (formerly Invitae), Labcorp
Classification: Likely pathogenic for Joubert syndrome; Meckel-Gruber syndrome; Nephronophthisis. Last evaluated: 2024-02-15. Review status: criteria provided, single submitter. Criteria: Invitae Variant Classification Sherloc (09022015). Collection method: clinical testing. Allele origin: germline.
Comment: This sequence change affects an acceptor splice site in intron 46 of the CEP290 gene. It is expected to disrupt RNA splicing. Variants that disrupt the donor or acceptor splice site typically lead to a loss of protein function (PMID: 16199547), and loss-of-function variants in CEP290 are known to be pathogenic (PMID: 16909394, 17345604, 20690115). This variant is present in population databases (rs766670248, gnomAD 0.06%). This variant has not been reported in the literature in individuals affected with CEP290-related conditions. ClinVar contains an entry for this variant (Variation ID: 461787). Algorithms developed to predict the effect of sequence changes on RNA splicing suggest that this variant may disrupt the consensus splice site. In summary, the currently available evidence indicates that the variant is pathogenic, but additional data are needed to prove that conclusively. Therefore, this variant has been classified as Likely Pathogenic.

Blueprint Genetics
Classification: Likely pathogenic for CEP290-related disorders. Last evaluated: 2019-01-17. Review status: criteria provided, single submitter. Criteria: ACMG Guidelines, 2015. Collection method: clinical testing. Allele origin: germline. Affected: yes. Observed: 1 variant allele.

Natera, Inc.
Classification: Likely pathogenic for Leber congenital amaurosis. Last evaluated: 2020-09-16. Review status: no assertion criteria provided. Collection method: clinical testing. Allele origin: germline. Not counted in ClinVar's aggregate classification.

Literature cited by the submitters: PubMed 16199547 (cited by Labcorp Genetics (formerly Invitae), Labcorp); PubMed 16909394 (cited by Labcorp Genetics (formerly Invitae), Labcorp); PubMed 17345604 (cited by Labcorp Genetics (formerly Invitae), Labcorp); PubMed 20690115 (cited by Labcorp Genetics (formerly Invitae), Labcorp).